The following is an entry in ClinVar:

ClinVar aggregate classification (germline): Uncertain significance (1 of 4 stars; one submission).

Conditions:
KDM5C-related disorder. Also called: KDM5C-related condition.

Submission:

PreventionGenetics, part of Exact Sciences
Classification: Uncertain significance for KDM5C-related condition. Last evaluated: 2023-05-23. Review status: criteria provided, single submitter. Criteria: ACMG Guidelines, 2015. Collection method: clinical testing. Allele origin: germline.
Comment: The KDM5C c.3531_3533delATC variant is predicted to result in an in-frame deletion (p.Ser1179del). To our knowledge, this variant has not been reported in the literature or in a large population database, indicating this variant is rare. At this time, the clinical significance of this variant is uncertain due to the absence of conclusive functional and genetic evidence.

NM_004187.5(KDM5C):c.3528ATC[1] (p.Ser1179del)

Gene: KDM5C (lysine demethylase 5C; minus strand). Cytogenetic location: Xp11.22.
Variant type: Microsatellite.
Coding change: c.3528ATC[1] on transcript NM_004187.5 (MANE Select); one copy of the 3-base unit ATC starting at c.3528; the reference has two copies in a row; one copy, 3 bases deleted.
Protein change: p.Ser1179del; deletes serine 1179.
Molecular consequence: inframe deletion. On other transcripts: non-coding transcript variant (3).
Genome position (GRCh38, 1-based): chrX:53,194,644-53,194,646, GAT deleted on the plus strand (ATC on the coding strand, the reverse complement: KDM5C is on the minus strand); deleting any 3 consecutive bases within chrX:53,194,644-53,194,650 gives the same sequence; the position shown is the placement nearest the transcript's 3' end. VCF-style (leftmost placement, unchanged base first): chrX-53194643-CGAT-C. GRCh37 (hg19) VCF-style: chrX-53223825-CGAT-C.
Other names: c.3327ATC[1], p.Ser1112del (NM_001146702.2); c.3525ATC[1], p.Ser1178del (NM_001282622.3, NM_001353979.2, NM_001353982.2); c.3528ATC[1], p.Ser1179del (NM_001353978.3, NM_001353981.2, NM_001353984.2); short protein forms S1112del, S1178del, S1179del.
Identifiers: ClinVar variation 2634855 (VCV002634855.1), dbSNP rs2519376584, ClinGen allele CA2693787491.
Genomic context (GRCh38, chrX:53,194,643, plus strand): 5'-TCCCGCCCCAGCCAGCACCTGCCCACACACACAGATAGAGGTTGTAGAGGAGGCCGTGCT[CGAT>C]GATGCCAGTGGACTGGGCTTGGCCGAATTGGTGCGACGCAGCTGCAGGATACCCTCCTTC-3'